The following is an entry in ClinVar:

ClinVar aggregate classification (germline): Conflicting classifications of pathogenicity. Review status: criteria provided, conflicting classifications (1 of 4 stars). 2 submissions from 2 submitters: Uncertain significance (1); Likely benign (1). Last evaluated 2024-07-31.

Conditions:
Hereditary cancer-predisposing syndrome. Also called: Neoplastic Syndromes, Hereditary; Tumor predisposition; Hereditary Cancer Syndrome; Hereditary neoplastic syndrome. Identifiers: Orphanet 140162, MedGen C0027672, MeSH D009386, MONDO:0015356.
Rhabdoid tumor predisposition syndrome 2 (RTPS2). Identifiers: Orphanet 231108, Orphanet 69077, MedGen C2750074, MONDO:0013224, OMIM 613325.

Submissions (2):

Labcorp Genetics (formerly Invitae), Labcorp
Classification: Likely benign for Rhabdoid tumor predisposition syndrome 2. Last evaluated: 2024-07-31. Review status: criteria provided, single submitter. Criteria: Invitae Variant Classification Sherloc (09022015). Collection method: clinical testing. Allele origin: germline.

Ambry Genetics
Classification: Uncertain significance for Hereditary cancer-predisposing syndrome. Last evaluated: 2021-09-29. Review status: criteria provided, single submitter. Criteria: Ambry Variant Classification Scheme 2023. Collection method: clinical testing. Allele origin: germline.
Comment: The c.2002-5_2002-3delGGT intronic variant, located in intron 12 of the SMARCA4 gene, results from a deletion of 3 nucleotides within intron 12 of the SMARCA4 gene. This nucleotide region is not well conserved in available vertebrate species. In silico splice site analysis for this alteration is inconclusive. Since supporting evidence is limited at this time, the clinical significance of this alteration remains unclear.

NM_003072.5(SMARCA4):c.2002-5_2002-3del

Gene: SMARCA4 (SWI/SNF related BAF chromatin remodeling complex subunit ATPase 4; plus strand). Cytogenetic location: 19p13.2.
Variant type: Deletion.
Coding change: c.2002-5_2002-3del on transcript NM_003072.5 (MANE Select); 5 bases into the intron before coding-DNA position 2002 through 3 bases into the intron before coding-DNA position 2002, 3 bases deleted (GGT; older notation c.2002-5_2002-3delGGT).
Molecular consequence: intron variant.
Genome position (GRCh38, 1-based): chr19:11,007,897-11,007,899, GGT deleted; deleting any 3 consecutive bases within chr19:11,007,896-11,007,899 gives the same sequence; the c. name uses the placement nearest the transcript's 3' end. VCF-style (leftmost placement, unchanged base first): chr19-11007895-TTGG-T. GRCh37 (hg19) VCF-style: chr19-11118571-TTGG-T.
Other names: c.2002-5_2002-3del (NM_001128844.3, NM_001128849.3, NM_001128847.4 and 5 more transcripts).
Identifiers: ClinVar variation 1784263 (VCV001784263.4), dbSNP rs2514560903, ClinGen allele CA2580096345.